The following is an entry in ClinVar:

NM_004336.5(BUB1):c.1574C>A (p.Ser525Tyr)

Gene: BUB1 (BUB1 mitotic checkpoint serine/threonine kinase; minus strand). Cytogenetic location: 2q13.
Variant type: single nucleotide variant.
Coding change: c.1574C>A on transcript NM_004336.5 (MANE Select); coding-DNA position 1574, C replaced by A.
Protein change: p.Ser525Tyr; replaces serine 525 with tyrosine.
Molecular consequence: missense variant.
Genome position (GRCh38, 1-based): chr2:110,657,588, G>T on the plus strand (C>A on the coding strand, the complement: BUB1 is on the minus strand). VCF-style: chr2-110657588-G-T. GRCh37 (hg19) VCF-style: chr2-111415165-G-T.
Other names: c.1514C>A, p.Ser505Tyr (NM_001278616.2); c.1574C>A, p.Ser525Tyr (NM_001278617.2); short protein forms S505Y, S525Y.
Identifiers: ClinVar variation 3262179 (VCV003262179.1).
Genomic context (GRCh38, chr2:110,657,588, plus strand): 5'-TAGATGGTATTTTTTTACCCATAATTTTCTTTGTTTCCATCTTCAAACACATGAAAAGCA[G>T]ATGACAAAGAAGAGATGATCTTATTGACTCCCCAAGCCCCAGATGACCTTACATTTTCTG-3'
Protein context (NP_004327.1, residues 515-535): GVNKIISSLS[Ser525Tyr]AFHVFEDGNK

ClinVar aggregate classification (germline): Uncertain significance (1 of 4 stars; one submission).

Submission:

Ambry Genetics
Classification: Uncertain significance. Last evaluated: 2024-06-23. Review status: criteria provided, single submitter. Criteria: Ambry Variant Classification Scheme 2023. Collection method: clinical testing. Allele origin: germline.
Comment: The p.S525Y variant (also known as c.1574C>A), located in coding exon 14 of the BUB1 gene, results from a C to A substitution at nucleotide position 1574. The serine at codon 525 is replaced by tyrosine, an amino acid with dissimilar properties. This amino acid position is conserved. In addition, this alteration is predicted to be tolerated by in silico analysis. Based on the available evidence, the clinical significance of this variant remains unclear.